The following is an entry in ClinVar:

ClinVar aggregate classification (germline): Uncertain significance (1 of 4 stars; one submission).

Conditions:
Charcot-Marie-Tooth disease type 2. Also called: Charcot-Marie-Tooth type 2. Identifiers: Orphanet 64746, MedGen C0270914, MONDO:0018993.

Submission:

Labcorp Genetics (formerly Invitae), Labcorp
Classification: Uncertain significance for Charcot-Marie-Tooth disease type 2. Last evaluated: 2025-06-04. Review status: criteria provided, single submitter. Criteria: Invitae Variant Classification Sherloc (09022015). Collection method: clinical testing. Allele origin: germline.
Comment: This sequence change replaces aspartic acid, which is acidic and polar, with glycine, which is neutral and non-polar, at codon 1136 of the KIF1B protein (p.Asp1136Gly). This variant is not present in population databases (gnomAD no frequency). This variant has not been reported in the literature in individuals affected with KIF1B-related conditions. An algorithm developed to predict the effect of missense changes on protein structure and function (PolyPhen-2) suggests that this variant is likely to be tolerated. In summary, the available evidence is currently insufficient to determine the role of this variant in disease. Therefore, it has been classified as a Variant of Uncertain Significance.

NM_001365951.3(KIF1B):c.3545A>G (p.Asp1182Gly)

Gene: KIF1B (kinesin family member 1B; plus strand). Cytogenetic location: 1p36.22.
Variant type: single nucleotide variant.
Coding change: c.3545A>G on transcript NM_001365951.3 (MANE Select); coding-DNA position 3545, A replaced by G.
Protein change: p.Asp1182Gly; replaces aspartic acid 1182 with glycine.
Molecular consequence: missense variant.
Genome position (GRCh38, 1-based): chr1:10,342,081, A>G. VCF-style: chr1-10342081-A-G. GRCh37 (hg19) VCF-style: chr1-10402139-A-G.
Other names: c.3545A>G, p.Asp1182Gly (NM_001365952.1); c.3407A>G, p.Asp1136Gly (NM_015074.3); short protein forms D1136G, D1182G.
Identifiers: ClinVar variation 4748669 (VCV004748669.1).
Genomic context (GRCh38, chr1:10,342,081, plus strand): 5'-AATCTTTTCCTAATCTTGCTTGGCTTTAGATTGCAGTGGAGATCACTGAATCATTTGTGG[A>G]TTACATCAAAACCAAGCCTATTGTATTTGAAGTCTTTGGGCATTATCAGCAGCACCCACT-3'
Protein context (NP_001352880.1, residues 1172-1192): IAVEITESFV[Asp1182Gly]YIKTKPIVFE